The following is an entry in ClinVar:

NM_000135.4(FANCA):c.145C>A (p.Arg49Ser)

Gene: FANCA (FA complementation group A; minus strand). Cytogenetic location: 16q24.3.
Variant type: single nucleotide variant.
Coding change: c.145C>A on transcript NM_000135.4 (MANE Select); coding-DNA position 145, C replaced by A.
Protein change: p.Arg49Ser; replaces arginine 49 with serine.
Molecular consequence: missense variant.
Genome position (GRCh38, 1-based): chr16:89,815,921, G>T on the plus strand (C>A on the coding strand, the complement: FANCA is on the minus strand). VCF-style: chr16-89815921-G-T. GRCh37 (hg19) VCF-style: chr16-89882329-G-T.
Other names: c.145C>A, p.Arg49Ser (NM_001018112.3, NM_001286167.3, NM_001351830.2); short protein forms R49S.
Identifiers: ClinVar variation 2057084 (VCV002057084.2), dbSNP rs929925295, ClinGen allele CA397483365.

ClinVar aggregate classification (germline): Uncertain significance (1 of 4 stars; one submission).

Conditions:
Fanconi anemia (FA). Also called: Fanconi's anemia. Identifiers: Orphanet 84, MedGen C0015625, MeSH D005199, MONDO:0019391.

gnomAD v4.1: 3 of 1,614,088 alleles (0.00019%); highest among the groups gnomAD compares: East Asian, 0.0022%; no homozygotes.

Submission:

Labcorp Genetics (formerly Invitae), Labcorp
Classification: Uncertain significance for Fanconi anemia. Last evaluated: 2025-11-25. Review status: criteria provided, single submitter. Criteria: Invitae Variant Classification Sherloc (09022015). Collection method: clinical testing. Allele origin: germline.
Comment: This sequence change replaces arginine, which is basic and polar, with serine, which is neutral and polar, at codon 49 of the FANCA protein (p.Arg49Ser). This variant is present in population databases (no rsID available, gnomAD 0.006%). This variant has not been reported in the literature in individuals affected with FANCA-related conditions. ClinVar contains an entry for this variant (Variation ID: 2057084). Invitae Evidence Modeling of protein sequence and biophysical properties (such as structural, functional, and spatial information, amino acid conservation, physicochemical variation, residue mobility, and thermodynamic stability) indicates that this missense variant is not expected to disrupt FANCA protein function with a negative predictive value of 95%. In summary, the available evidence is currently insufficient to determine the role of this variant in disease. Therefore, it has been classified as a Variant of Uncertain Significance.